The following is an entry in ClinVar:

ClinVar aggregate classification (germline): Uncertain significance. Review status: criteria provided, multiple submitters, no conflicts (2 of 4 stars). 2 submissions from 2 submitters: Uncertain significance (2). Last evaluated 2024-10-24.

Submissions (2):

Labcorp Genetics (formerly Invitae), Labcorp
Classification: Uncertain significance. Last evaluated: 2024-10-24. Review status: criteria provided, single submitter. Criteria: Invitae Variant Classification Sherloc (09022015). Collection method: clinical testing. Allele origin: germline.
Comment: This variant, c.3441_3455del, results in the deletion of 5 amino acid(s) of the MAGEL2 protein (p.Gly1148_Asn1152del), but otherwise preserves the integrity of the reading frame. This variant is not present in population databases (gnomAD no frequency). This variant has not been reported in the literature in individuals affected with MAGEL2-related conditions. ClinVar contains an entry for this variant (Variation ID: 1310407). Experimental studies and prediction algorithms are not available or were not evaluated, and the functional significance of this variant is currently unknown. In summary, the available evidence is currently insufficient to determine the role of this variant in disease. Therefore, it has been classified as a Variant of Uncertain Significance.

GeneDx
Classification: Uncertain significance. Last evaluated: 2019-11-21. Review status: criteria provided, single submitter. Criteria: GeneDx Variant Classification Process June 2021. Collection method: clinical testing. Allele origin: germline. Affected: yes.
Comment: Not observed in large population cohorts (Lek et al., 2016); In-frame deletion of five amino acids in a non-repeat region; In silico analysis, which includes protein predictors and evolutionary conservation, supports a deleterious effect; Has not been previously published as pathogenic or benign to our knowledge

NM_019066.5(MAGEL2):c.3441_3455del (p.Gly1148_Asn1152del)

Gene: MAGEL2 (MAGE family member L2; minus strand). Cytogenetic location: 15q11.2.
Variant type: Deletion.
Coding change: c.3441_3455del on transcript NM_019066.5 (MANE Select); coding-DNA positions 3441 to 3455, 15 bases deleted (CGGTCTCTTTGGAAA).
Protein change: p.Gly1148_Asn1152del.
Molecular consequence: inframe deletion.
Genome position (GRCh38, 1-based): chr15:23,644,288-23,644,302, TTTCCAAAGAGACCG deleted on the plus strand (CGGTCTCTTTGGAAA on the coding strand, the reverse complement: MAGEL2 is on the minus strand); deleting any 15 consecutive bases within chr15:23,644,288-23,644,305 gives the same sequence; the c. name uses the placement nearest the transcript's 3' end. VCF-style (leftmost placement, unchanged base first): chr15-23644287-ATTTCCAAAGAGACCG-A. GRCh37 (hg19) VCF-style: chr15-23889434-ATTTCCAAAGAGACCG-A.
Identifiers: ClinVar variation 1310407 (VCV001310407.4), dbSNP rs1243142756, ClinGen allele CA711334569.